The following is an entry in ClinVar:

ClinVar aggregate classification (germline): Uncertain significance. Review status: criteria provided, multiple submitters, no conflicts (2 of 4 stars). 2 submissions from 2 submitters: Uncertain significance (2). Last evaluated 2025-02-26.

Conditions:
CHARGE syndrome (CHARGE). Also called: Hittner Hirsch Kreh syndrome; CHARGE ASSOCIATION--COLOBOMA, HEART ANOMALY, CHOANAL ATRESIA, RETARDATION, GENITAL AND EAR ANOMALIES; Coloboma, heart anomaly, choanal atresia, retardation, genital and ear anomalies; CHARGE association; Hall-Hittner syndrome. Identifiers: Orphanet 138, MedGen C0265354, MONDO:0008965.

gnomAD v4.1: 5 of 1,575,380 alleles (0.00032%); highest among the groups gnomAD compares: Non-Finnish European, 0.00043%; no homozygotes.

Submissions (2):

Labcorp Genetics (formerly Invitae), Labcorp
Classification: Uncertain significance for CHARGE syndrome. Last evaluated: 2025-02-26. Review status: criteria provided, single submitter. Criteria: Invitae Variant Classification Sherloc (09022015). Collection method: clinical testing. Allele origin: germline.
Comment: This sequence change replaces glutamic acid, which is acidic and polar, with alanine, which is neutral and non-polar, at codon 1856 of the CHD7 protein (p.Glu1856Ala). This variant is not present in population databases (gnomAD no frequency). This variant has not been reported in the literature in individuals affected with CHD7-related conditions. Invitae Evidence Modeling of protein sequence and biophysical properties (such as structural, functional, and spatial information, amino acid conservation, physicochemical variation, residue mobility, and thermodynamic stability) has been performed for this missense variant. However, the output from this modeling did not meet the statistical confidence thresholds required to predict the impact of this variant on CHD7 protein function. In summary, the available evidence is currently insufficient to determine the role of this variant in disease. Therefore, it has been classified as a Variant of Uncertain Significance.

Blueprint Genetics
Classification: Uncertain significance. Last evaluated: 2024-01-29. Review status: criteria provided, single submitter. Criteria: ACMG Guidelines, 2015. Collection method: clinical testing. Allele origin: germline.

NM_017780.4(CHD7):c.5567A>C (p.Glu1856Ala)

Gene: CHD7 (chromodomain helicase DNA binding protein 7; plus strand). Cytogenetic location: 8q12.2.
Variant type: single nucleotide variant.
Coding change: c.5567A>C on transcript NM_017780.4 (MANE Select); coding-DNA position 5567, A replaced by C.
Protein change: p.Glu1856Ala; replaces glutamic acid 1856 with alanine.
Molecular consequence: missense variant. On other transcripts: intron variant (1).
Genome position (GRCh38, 1-based): chr8:60,851,064, A>C. VCF-style: chr8-60851064-A-C. GRCh37 (hg19) VCF-style: chr8-61763623-A-C.
Other names: c.1717-11165A>C (NM_001316690.1); short protein forms E1856A.
Identifiers: ClinVar variation 4780662 (VCV004780662.2).